The following is an entry in ClinVar:

NM_007294.4(BRCA1):c.5395A>G (p.Thr1799Ala)

Gene: BRCA1 (BRCA1 DNA repair associated; minus strand). Cytogenetic location: 17q21.31.
Variant type: single nucleotide variant.
Coding change: c.5395A>G on transcript NM_007294.4 (MANE Select); coding-DNA position 5395, A replaced by G.
Protein change: p.Thr1799Ala; replaces threonine 1799 with alanine.
Molecular consequence: missense variant. On other transcripts: non-coding transcript variant (1), intron variant (1).
Genome position (GRCh38, 1-based): chr17:43,049,132, T>C on the plus strand (A>G on the coding strand, the complement: BRCA1 is on the minus strand). VCF-style: chr17-43049132-T-C. GRCh37 (hg19) VCF-style: chr17-41201149-T-C.
Other names: c.5182A>G, p.Thr1728Ala (NM_001407571.1, NM_001407894.1, NM_001407895.1 and 12 more transcripts); c.5461A>G, p.Thr1821Ala (NM_001407581.1, NM_001407582.1); c.5458A>G, p.Thr1820Ala (NM_001407583.1, NM_001407585.1, NM_001407587.1 and 1 more transcripts); c.5455A>G, p.Thr1819Ala (NM_001407590.1, NM_001407591.1); c.5395A>G, p.Thr1799Ala (NM_001407593.1, NM_001407594.1, NM_001407596.1 and 5 more transcripts); c.5392A>G, p.Thr1798Ala (NM_001407610.1, NM_001407611.1, NM_001407612.1 and 14 more transcripts); c.5389A>G, p.Thr1797Ala (NM_001407631.1, NM_001407632.1, NM_001407633.1 and 13 more transcripts); c.5317A>G, p.Thr1773Ala (NM_001407653.1, NM_001407654.1, NM_001407655.1 and 1 more transcripts); and 73 more; short protein forms T1752A, T695A, T1799A, T1820A, T1688A, T1709A, T1731A, T1751A.
Identifiers: ClinVar variation 868049 (VCV000868049.13), dbSNP rs2051075653, ClinGen allele CA10590685.
Genomic context (GRCh38, chr17:43,049,132, plus strand): 5'-AGGAGAGAATATTGTGTCCTCCCTCTCTGACAGGGCACCCAATACTTACTGTGCCAAGGG[T>C]GAATGATGAAAGCTCCTTCACCACAGAAGCACCACACAGCTGTACCATCCATTCCAGTTG-3'
Protein context (NP_009225.1, residues 1789-1809): ASVVKELSSF[Thr1799Ala]LGTGVHPIVV

ClinVar aggregate classification (germline): Uncertain significance (1 of 4 stars; one submission).

Conditions:
Hereditary breast ovarian cancer syndrome. Also called: Hereditary breast and ovarian cancer; Hereditary breast and ovarian cancer syndrome (HBOC); Breast and ovarian cancer; Hereditary breast and/or ovarian cancer syndrome; BRCA1- and BRCA2-Associated Hereditary Breast and Ovarian Cancer; Hereditary breast and ovarian cancer syndrome. Identifiers: Orphanet 145, MedGen C0677776, MeSH D061325, MONDO:0003582. Disease mechanism: loss of function.

Submissions (2):

Labcorp Genetics (formerly Invitae), Labcorp
Classification: Uncertain significance for Hereditary breast ovarian cancer syndrome. Last evaluated: 2022-08-09. Review status: criteria provided, single submitter. Criteria: Invitae Variant Classification Sherloc (09022015). Collection method: clinical testing. Allele origin: germline.
Comment: This variant has not been reported in the literature in individuals affected with BRCA1-related conditions. ClinVar contains an entry for this variant (Variation ID: 868049). Advanced modeling of protein sequence and biophysical properties (such as structural, functional, and spatial information, amino acid conservation, physicochemical variation, residue mobility, and thermodynamic stability) performed at Invitae indicates that this missense variant is not expected to disrupt BRCA1 protein function. In summary, the available evidence is currently insufficient to determine the role of this variant in disease. Therefore, it has been classified as a Variant of Uncertain Significance. This sequence change replaces threonine, which is neutral and polar, with alanine, which is neutral and non-polar, at codon 1799 of the BRCA1 protein (p.Thr1799Ala). This variant is not present in population databases (gnomAD no frequency).

Brotman Baty Institute, University of Washington
No classification provided (evidence only). Condition: Breast-ovarian cancer, familial 1. Review status: no classification provided. Collection method: in vitro. Allele origin: not applicable. Functional consequence: functionally_normal. Not counted in ClinVar's aggregate classification.
ClinVar note: "not provided" was previously submitted as the classification for the variant. However, the classification appeared to be based only on an observation of functional data so it was converted to no classification on 2025-07-30.